The following is an entry in ClinVar:

NM_000138.5(FBN1):c.5026C>A (p.Pro1676Thr)

Gene: FBN1 (fibrillin 1; minus strand). Cytogenetic location: 15q21.1.
Variant type: single nucleotide variant.
Coding change: c.5026C>A on transcript NM_000138.5 (MANE Select); coding-DNA position 5026, C replaced by A.
Protein change: p.Pro1676Thr; replaces proline 1676 with threonine.
Molecular consequence: missense variant.
Genome position (GRCh38, 1-based): chr15:48,463,938, G>T on the plus strand (C>A on the coding strand, the complement: FBN1 is on the minus strand). VCF-style: chr15-48463938-G-T. GRCh37 (hg19) VCF-style: chr15-48756135-G-T.
Other names: c.5026C>A, p.Pro1676Thr (NM_001406716.1); short protein forms P1676T.
Identifiers: ClinVar variation 3752348 (VCV003752348.2).

ClinVar aggregate classification (germline): Uncertain significance (1 of 4 stars; one submission).

Conditions:
Marfan syndrome (MFS). Also called: MARFAN SYNDROME, TYPE I; Marfan syndrome type 1; Marfan's syndrome; Marfan syndrome, classic; FBN1-Related Marfan Syndrome. Identifiers: Orphanet 284963, Orphanet 558, MedGen C0024796, MONDO:0007947, OMIM 154700.
Familial thoracic aortic aneurysm and aortic dissection (TAAD). Also called: Thoracic aortic aneurysms and dissections. Identifiers: Orphanet 91387, MedGen C4707243, MONDO:0019625.

Submission:

Labcorp Genetics (formerly Invitae), Labcorp
Classification: Uncertain significance for Marfan syndrome; Familial thoracic aortic aneurysm and aortic dissection. Last evaluated: 2024-08-21. Review status: criteria provided, single submitter. Criteria: Invitae Variant Classification Sherloc (09022015). Collection method: clinical testing. Allele origin: germline.
Comment: This sequence change replaces proline, which is neutral and non-polar, with threonine, which is neutral and polar, at codon 1676 of the FBN1 protein (p.Pro1676Thr). This variant is not present in population databases (gnomAD no frequency). This variant has not been reported in the literature in individuals affected with FBN1-related conditions. Invitae Evidence Modeling of protein sequence and biophysical properties (such as structural, functional, and spatial information, amino acid conservation, physicochemical variation, residue mobility, and thermodynamic stability) indicates that this missense variant is expected to disrupt FBN1 protein function with a positive predictive value of 80%. In summary, the available evidence is currently insufficient to determine the role of this variant in disease. Therefore, it has been classified as a Variant of Uncertain Significance.